The following is an entry in ClinVar:

NM_005739.4(RASGRP1):c.1410C>T (p.His470=)

Gene: RASGRP1 (RAS guanyl releasing protein 1; minus strand). Cytogenetic location: 15q14.
Variant type: single nucleotide variant.
Coding change: c.1410C>T on transcript NM_005739.4 (MANE Select); coding-DNA position 1410, C replaced by T.
Protein change: p.His470=; no amino-acid change (histidine 470 retained).
Molecular consequence: synonymous variant. On other transcripts: intron variant (2).
Genome position (GRCh38, 1-based): chr15:38,503,290, G>A on the plus strand (C>T on the coding strand, the complement: RASGRP1 is on the minus strand). VCF-style: chr15-38503290-G-A. GRCh37 (hg19) VCF-style: chr15-38795491-G-A.
Other names: c.1410C>T (NM_005739.3); c.1324-869C>T (NM_001306086.2, NM_001128602.2).
Identifiers: ClinVar variation 1587495 (VCV001587495.10), dbSNP rs556725435, ClinGen allele CA7470911.

ClinVar aggregate classification (germline): Likely benign. Review status: criteria provided, single submitter (1 of 4 stars). 2 submissions from 2 submitters: Likely benign (1). 1 of the submissions does not count toward it. Last evaluated 2025-07-20.

Conditions:
RASGRP1-related disorder. Also called: RASGRP1-related condition.

Allele frequency attached by ClinVar (database versions not stated): gnomAD 0.00001; TOPMed 0.00001; gnomAD exomes 0.00004 and 0.00009; ExAC 0.00012; 1000 Genomes Project 0.00020; 1000 Genomes Project 30x 0.00031.
gnomAD v4.1: 67 of 1,609,902 alleles (0.0042%); highest among the groups gnomAD compares: South Asian, 0.021%; no homozygotes.

Submissions (2):

Labcorp Genetics (formerly Invitae), Labcorp
Classification: Likely benign. Last evaluated: 2025-07-20. Review status: criteria provided, single submitter. Criteria: Invitae Variant Classification Sherloc (09022015). Collection method: clinical testing. Allele origin: germline.

PreventionGenetics, part of Exact Sciences
Classification: Likely benign for RASGRP1-related condition. Last evaluated: 2023-10-04. Review status: no assertion criteria provided. Collection method: clinical testing. Allele origin: germline. Not counted in ClinVar's aggregate classification.
Comment: This variant is classified as likely benign based on ACMG/AMP sequence variant interpretation guidelines (Richards et al. 2015 PMID: 25741868, with internal and published modifications).